The following is an entry in ClinVar:

ClinVar aggregate classification (germline): Uncertain significance (1 of 4 stars; one submission).

Conditions:
Arrhythmogenic cardiomyopathy with wooly hair and keratoderma. Also called: Arrhythmogenic cardiomyopathy with woolly hair and keratoderma; Carvajal syndrome; PALMOPLANTAR KERATODERMA WITH LEFT VENTRICULAR CARDIOMYOPATHY AND WOOLLY HAIR; Dilated cardiomyopathy with woolly hair and keratoderma. Identifiers: Orphanet 65282, MedGen C1854063, MONDO:0011581, OMIM 605676.
Arrhythmogenic right ventricular dysplasia 8 (ARVD8). Also called: Arrhythmogenic Right Ventricular Dysplasia/Cardiomyopathy 8; ARRHYTHMOGENIC RIGHT VENTRICULAR CARDIOMYOPATHY 8; ARRHYTHMOGENIC RIGHT VENTRICULAR DYSPLASIA, FAMILIAL, 8. Identifiers: MedGen C1843896, MONDO:0011831, OMIM 607450.

Allele frequency attached by ClinVar (database versions not stated): ExAC 0.00001; gnomAD 0.00001.
gnomAD v4.1: 1 of 1,614,080 alleles (0.000062%); highest among the groups gnomAD compares: Non-Finnish European, 0.000085%; no homozygotes.

Submission:

Labcorp Genetics (formerly Invitae), Labcorp
Classification: Uncertain significance for Arrhythmogenic cardiomyopathy with wooly hair and keratoderma; Arrhythmogenic right ventricular dysplasia 8. Last evaluated: 2022-08-12. Review status: criteria provided, single submitter. Criteria: Invitae Variant Classification Sherloc (09022015). Collection method: clinical testing. Allele origin: germline.
Comment: In summary, the available evidence is currently insufficient to determine the role of this variant in disease. Therefore, it has been classified as a Variant of Uncertain Significance. Algorithms developed to predict the effect of missense changes on protein structure and function are either unavailable or do not agree on the potential impact of this missense change (SIFT: "Tolerated"; PolyPhen-2: "Probably Damaging"; Align-GVGD: "Class C0"). This variant has not been reported in the literature in individuals affected with DSP-related conditions. This variant is present in population databases (rs759385567, gnomAD 0.0009%). This sequence change replaces isoleucine, which is neutral and non-polar, with valine, which is neutral and non-polar, at codon 2365 of the DSP protein (p.Ile2365Val).

NM_004415.4(DSP):c.7093A>G (p.Ile2365Val)

Gene: DSP (desmoplakin; plus strand). Cytogenetic location: 6p24.3.
Variant type: single nucleotide variant.
Coding change: c.7093A>G on transcript NM_004415.4 (MANE Select); coding-DNA position 7093, A replaced by G.
Protein change: p.Ile2365Val; replaces isoleucine 2365 with valine.
Molecular consequence: missense variant.
Genome position (GRCh38, 1-based): chr6:7,584,355, A>G. VCF-style: chr6-7584355-A-G. GRCh37 (hg19) VCF-style: chr6-7584588-A-G.
Other names: c.5296A>G, p.Ile1766Val (NM_001008844.3); c.5764A>G, p.Ile1922Val (NM_001319034.2); short protein forms I1766V, I1922V, I2365V.
Identifiers: ClinVar variation 1958144 (VCV001958144.3), dbSNP rs759385567, ClinGen allele CA049101.